The following is an entry in ClinVar:

ClinVar aggregate classification (germline): Benign. Review status: criteria provided, multiple submitters, no conflicts (2 of 4 stars). 6 submissions from 5 submitters: Benign (6). Last evaluated 2025-12-01.

Conditions:
Atrichia with papular lesions (APL). Also called: PAPULAR ATRICHIA. Identifiers: Orphanet 86819, MedGen C1859592, MONDO:0008847, OMIM 209500.
Alopecia universalis congenita (ALUNC). Also called: ATRICHIA, GENERALIZED. Identifiers: Orphanet 701, MedGen C1859877, MONDO:0008757, OMIM 203655.
HR-related disorder. Also called: HR-related condition; HR-related disorders. Identifiers: MedGen CN239293.

Allele frequency attached by ClinVar (database versions not stated): gnomAD exomes 0.00165 and 0.00392; ExAC 0.00756; ESP Exome Variant Server 0.01256; 1000 Genomes Project 0.01278; 1000 Genomes Project 30x 0.01343; gnomAD 0.01535 and 0.01641; TOPMed 0.01761.
gnomAD v4.1: 4,791 of 1,551,938 alleles (0.31%); highest among the groups gnomAD compares: African/African-American, 5.3%; 103 homozygotes.

Submissions (6):

Labcorp Genetics (formerly Invitae), Labcorp
Classification: Benign. Last evaluated: 2025-12-01. Review status: criteria provided, single submitter. Criteria: Invitae Variant Classification Sherloc (09022015). Collection method: clinical testing. Allele origin: germline.

PreventionGenetics, part of Exact Sciences
Classification: Benign for HR-related condition. Last evaluated: 2025-02-24. Review status: criteria provided, single submitter. Criteria: ACMG Guidelines, 2015. Collection method: clinical testing. Allele origin: germline.
Comment: This variant is classified as benign based on ACMG/AMP sequence variant interpretation guidelines (Richards et al. 2015 PMID: 25741868, with internal and published modifications).

GeneDx
Classification: Benign. Last evaluated: 2021-06-09. Review status: criteria provided, single submitter. Criteria: GeneDx Variant Classification Process June 2021. Collection method: clinical testing. Allele origin: germline. Affected: yes.

Illumina Laboratory Services, Illumina
Classification: Benign for Alopecia universalis congenita. Last evaluated: 2018-01-13. Review status: criteria provided, single submitter. Criteria: ICSL Variant Classification Criteria 13 December 2019. Collection method: clinical testing. Allele origin: germline.
Comment: This variant was observed in the ICSL laboratory as part of a predisposition screen in an ostensibly healthy population. It had not been previously curated by ICSL or reported in the Human Gene Mutation Database (HGMD: prior to June 1st, 2018), and was therefore a candidate for classification through an automated scoring system. Utilizing variant allele frequency, disease prevalence and penetrance estimates, and inheritance mode, an automated score was calculated to assess if this variant is too frequent to cause the disease. Based on the score and internal cut-off values, a variant classified as benign is not then subjected to further curation. The score for this variant resulted in a classification of benign for this disease.

Illumina Laboratory Services, Illumina
Classification: Benign for Atrichia with papular lesions. Last evaluated: 2018-01-13. Review status: criteria provided, single submitter. Criteria: ICSL Variant Classification Criteria 13 December 2019. Collection method: clinical testing. Allele origin: germline.
Comment: the same text as in the submission from Illumina Laboratory Services, Illumina above.

Breakthrough Genomics
Classification: Benign. Review status: criteria provided, single submitter. Criteria: ACMG Guidelines, 2015. Collection method: not provided. Allele origin: germline. Inheritance: Autosomal recessive inheritance. Affected: yes.

NM_005144.5(HR):c.2467G>A (p.Gly823Ser)

Gene: HR (HR lysine demethylase and nuclear receptor corepressor; minus strand). Cytogenetic location: 8p21.3.
Variant type: single nucleotide variant.
Coding change: c.2467G>A on transcript NM_005144.5 (MANE Select); coding-DNA position 2467, G replaced by A.
Protein change: p.Gly823Ser; replaces glycine 823 with serine.
Molecular consequence: missense variant.
Genome position (GRCh38, 1-based): chr8:22,120,859, C>T on the plus strand (G>A on the coding strand, the complement: HR is on the minus strand). VCF-style: chr8-22120859-C-T. GRCh37 (hg19) VCF-style: chr8-21978372-C-T.
Other names: c.2467G>A, p.Gly823Ser (NM_018411.4); short protein forms G823S.
Identifiers: ClinVar variation 362494 (VCV000362494.17), dbSNP rs76547188, ClinGen allele CA4662101.
Genomic context (GRCh38, chr8:22,120,859, plus strand): 5'-CTGGGGGAGGCAGCCGGGGCCGCACTGGAGAGAGGGGCAGGCCCAGGCCCTTGCGCAGAC[C>T]CGGGCCAGCTCGAAGCCCCGGCCCCAGGGCTTTCTCCTGGATCTTCCGTTCCACCACCTG-3'
Protein context (NP_005135.2, residues 813-833): ALGPGLRAGP[Gly823Ser]LRKGLGLPLS